The following is an entry in ClinVar:

NM_001059.3(TACR3):c.857A>G (p.Lys286Arg)

Gene: TACR3 (tachykinin receptor 3; minus strand). Cytogenetic location: 4q24.
Variant type: single nucleotide variant.
Coding change: c.857A>G on transcript NM_001059.3 (MANE Select); coding-DNA position 857, A replaced by G.
Protein change: p.Lys286Arg; replaces lysine 286 with arginine.
Molecular consequence: missense variant.
Genome position (GRCh38, 1-based): chr4:103,656,225, T>C on the plus strand (A>G on the coding strand, the complement: TACR3 is on the minus strand). VCF-style: chr4-103656225-T-C. GRCh37 (hg19) VCF-style: chr4-104577382-T-C.
Other names: short protein forms K286R.
Identifiers: ClinVar variation 445619 (VCV000445619.20), dbSNP rs2276973, ClinGen allele CA3031044.

ClinVar aggregate classification (germline): Benign/Likely benign. Review status: criteria provided, multiple submitters, no conflicts (2 of 4 stars). 8 submissions from 8 submitters: Benign (5); Likely benign (3). Last evaluated 2026-01-20.

Conditions:
Hypogonadotropic hypogonadism 11 with or without anosmia (HH11). Also called: HYPOGONADOTROPIC HYPOGONADISM 11 WITHOUT ANOSMIA; TACR3-Related GnRH Deficiency. Identifiers: Orphanet 478, MedGen C3553844, MONDO:0013913, OMIM 614840.

Allele frequency attached by ClinVar (database versions not stated): gnomAD exomes 0.00340; ExAC 0.00372; ESP Exome Variant Server 0.00784; gnomAD 0.00840 and 0.00877; TOPMed 0.00963; 1000 Genomes Project 30x 0.01093; 1000 Genomes Project 0.01258.
gnomAD v4.1: 4,189 of 1,613,020 alleles (0.26%); highest among the groups gnomAD compares: African/African-American, 2.6%; 37 homozygotes.

Submissions (8):

Labcorp Genetics (formerly Invitae), Labcorp
Classification: Benign. Last evaluated: 2026-01-20. Review status: criteria provided, single submitter. Criteria: Invitae Variant Classification Sherloc (09022015). Collection method: clinical testing. Allele origin: germline.

Athena Diagnostics
Classification: Benign. Last evaluated: 2024-05-16. Review status: criteria provided, single submitter. Criteria: Athena Diagnostics Criteria. Collection method: clinical testing. Allele origin: unknown.

Fulgent Genetics
Classification: Likely benign for Hypogonadotropic hypogonadism 11 with or without anosmia. Last evaluated: 2021-08-11. Review status: criteria provided, single submitter. Criteria: ACMG Guidelines, 2015. Collection method: clinical testing. Allele origin: unknown.

Centre for Mendelian Genomics, University Medical Centre Ljubljana
Classification: Benign for Hypogonadotropic hypogonadism 11 with or without anosmia. Last evaluated: 2018-11-08. Review status: criteria provided, single submitter. Criteria: ACMG Guidelines, 2015. Collection method: clinical testing. Allele origin: unknown. Affected: yes.
Comment: This variant was classified as: Benign. The following ACMG criteria were applied in classifying this variant: BS1,BS2.

Center for Pediatric Genomic Medicine, Children's Mercy Hospital and Clinics
Classification: Likely benign. Last evaluated: 2017-07-17. Review status: criteria provided, single submitter. Criteria: ACMG Guidelines, 2015. Collection method: clinical testing. Allele origin: germline.

Illumina Laboratory Services, Illumina
Classification: Benign for Hypogonadotropic hypogonadism 11 with or without anosmia. Last evaluated: 2017-04-27. Review status: criteria provided, single submitter. Criteria: ICSL Variant Classification Criteria 13 December 2019. Collection method: clinical testing. Allele origin: germline.
Comment: This variant was observed as part of a predisposition screen in an ostensibly healthy population. A literature search was performed for the gene, cDNA change, and amino acid change (where applicable). Publications were found based on this search. The evidence from the literature, in combination with allele frequency data from public databases where available, was sufficient to rule this variant out of causing disease. Therefore, this variant is classified as benign.

GeneDx
Classification: Benign. Last evaluated: 2017-02-20. Review status: criteria provided, single submitter. Criteria: GeneDx Variant Classification (06012015). Collection method: clinical testing. Allele origin: germline. Affected: yes.
Comment: This variant is considered likely benign or benign based on one or more of the following criteria: it is a conservative change, it occurs at a poorly conserved position in the protein, it is predicted to be benign by multiple in silico algorithms, and/or has population frequency not consistent with disease.

Breakthrough Genomics
Classification: Likely benign. Review status: criteria provided, single submitter. Criteria: ACMG Guidelines, 2015. Collection method: not provided. Allele origin: germline. Inheritance: Autosomal recessive inheritance. Affected: yes.

Literature cited by the submitters: PubMed 22031817 (cited by Athena Diagnostics and Illumina Laboratory Services, Illumina); PubMed 23329188 (cited by Athena Diagnostics and Illumina Laboratory Services, Illumina); PubMed 23643382 (cited by Athena Diagnostics); PubMed 18422838 (cited by Illumina Laboratory Services, Illumina).